The following is an entry in ClinVar:

NM_001368894.2(PAX6):c.280A>G (p.Thr94Ala)

Gene: PAX6 (paired box 6; minus strand). Cytogenetic location: 11p13.
Variant type: single nucleotide variant.
Coding change: c.280A>G on transcript NM_001368894.2 (MANE Select); coding-DNA position 280, A replaced by G.
Protein change: p.Thr94Ala; replaces threonine 94 with alanine.
Molecular consequence: missense variant. On other transcripts: 5 prime UTR variant (14), intron variant (8), non-coding transcript variant (2).
Genome position (GRCh38, 1-based): chr11:31,801,680, T>C on the plus strand (A>G on the coding strand, the complement: PAX6 is on the minus strand). VCF-style: chr11-31801680-T-C. GRCh37 (hg19) VCF-style: chr11-31823228-T-C.
Other names: c.-171A>G (NM_001310161.3, NM_001368899.2, NM_001368900.2 and 8 more transcripts); c.238A>G, p.Thr80Ala (NM_001368887.2, NM_001368888.2, NM_001368889.2 and 10 more transcripts); c.280A>G, p.Thr94Ala (NM_001368892.2, NM_001368893.2, NM_001368912.2 and 6 more transcripts); c.-502A>G (NM_001368902.2, NM_001368905.2, NM_001310160.2); c.355A>G, p.Thr119Ala (NM_001368919.2, NM_001368918.2); c.313A>G, p.Thr105Ala (NM_001368920.2); c.481A>G, p.Thr161Ala (NM_001368910.2); c.283A>G, p.Thr95Ala (NM_001368911.2); and 2 more; short protein forms T94A, T105A, T80A, T119A, T161A, T95A.
Identifiers: ClinVar variation 2108729 (VCV002108729.4), dbSNP rs2496141177, ClinGen allele CA379958761.

ClinVar aggregate classification (germline): Uncertain significance (1 of 4 stars; one submission).

Conditions:
Aniridia 1 (AN1). Identifiers: Orphanet 250923, MedGen C0344542, MONDO:0024507, OMIM 106210.
Irido-corneo-trabecular dysgenesis (ASGD5). Also called: ANTERIOR SEGMENT DYSGENESIS 5. Identifiers: Orphanet 708, MedGen C0344559, MONDO:0011414, OMIM 604229, HP:0000659.

Submission:

Labcorp Genetics (formerly Invitae), Labcorp
Classification: Uncertain significance for Aniridia 1; Irido-corneo-trabecular dysgenesis. Last evaluated: 2022-03-11. Review status: criteria provided, single submitter. Criteria: Invitae Variant Classification Sherloc (09022015). Collection method: clinical testing. Allele origin: germline.
Comment: Advanced modeling of protein sequence and biophysical properties (such as structural, functional, and spatial information, amino acid conservation, physicochemical variation, residue mobility, and thermodynamic stability) performed at Invitae indicates that this missense variant is expected to disrupt PAX6 protein function. This variant has not been reported in the literature in individuals affected with PAX6-related conditions. This variant is not present in population databases (gnomAD no frequency). This sequence change replaces threonine, which is neutral and polar, with alanine, which is neutral and non-polar, at codon 80 of the PAX6 protein (p.Thr80Ala). In summary, the available evidence is currently insufficient to determine the role of this variant in disease. Therefore, it has been classified as a Variant of Uncertain Significance.